The following is an entry in ClinVar:

ClinVar aggregate classification (germline): Uncertain significance (1 of 4 stars; one submission).

Allele frequency attached by ClinVar (database versions not stated): ExAC 0.00002; gnomAD exomes 0.00002; gnomAD 0.00003; TOPMed 0.00003; ESP Exome Variant Server 0.00008.
gnomAD v4.1: 34 of 1,609,896 alleles (0.0021%); highest among the groups gnomAD compares: African/African-American, 0.0067%; no homozygotes.

Submission:

Labcorp Genetics (formerly Invitae), Labcorp
Classification: Uncertain significance. Last evaluated: 2024-06-03. Review status: criteria provided, single submitter. Criteria: Invitae Variant Classification Sherloc (09022015). Collection method: clinical testing. Allele origin: germline.
Comment: This sequence change replaces arginine, which is basic and polar, with glutamine, which is neutral and polar, at codon 538 of the SYNPO protein (p.Arg538Gln). This variant is present in population databases (rs368637681, gnomAD 0.007%). This variant has not been reported in the literature in individuals affected with SYNPO-related conditions. ClinVar contains an entry for this variant (Variation ID: 1986319). An algorithm developed to predict the effect of missense changes on protein structure and function (PolyPhen-2) suggests that this variant is likely to be disruptive. In summary, the available evidence is currently insufficient to determine the role of this variant in disease. Therefore, it has been classified as a Variant of Uncertain Significance.

NM_007286.6(SYNPO):c.1613G>A (p.Arg538Gln)

Gene: SYNPO (synaptopodin; plus strand). Cytogenetic location: 5q33.1.
Variant type: single nucleotide variant.
Coding change: c.1613G>A on transcript NM_007286.6 (MANE Select); coding-DNA position 1613, G replaced by A.
Protein change: p.Arg538Gln; replaces arginine 538 with glutamine.
Molecular consequence: missense variant.
Genome position (GRCh38, 1-based): chr5:150,649,888, G>A. VCF-style: chr5-150649888-G-A. GRCh37 (hg19) VCF-style: chr5-150029450-G-A.
Other names: c.1613G>A, p.Arg538Gln (NM_001109974.3); c.2345G>A, p.Arg782Gln (NM_001166208.2, NM_001166209.2); short protein forms R538Q, R782Q.
Identifiers: ClinVar variation 1986319 (VCV001986319.4), dbSNP rs368637681, ClinGen allele CA3513447.